The following is an entry in ClinVar:

NM_001349338.3(FOXP1):c.1887C>T (p.Ala629=)

Gene: FOXP1 (forkhead box P1; minus strand). Cytogenetic location: 3p13.
Variant type: single nucleotide variant.
Coding change: c.1887C>T on transcript NM_001349338.3 (MANE Select); coding-DNA position 1887, C replaced by T.
Protein change: p.Ala629=; no amino-acid change (alanine 629 retained).
Molecular consequence: synonymous variant. On other transcripts: non-coding transcript variant (2).
Genome position (GRCh38, 1-based): chr3:70,965,892, G>A on the plus strand (C>T on the coding strand, the complement: FOXP1 is on the minus strand). VCF-style: chr3-70965892-G-A. GRCh37 (hg19) VCF-style: chr3-71015043-G-A.
Other names: NC_000003.11:g.71015043G>A; c.1884C>T, p.Ala628= (NM_001244808.3, NM_001349341.3); c.1935C>T, p.Ala645= (NM_001244810.2); c.1659C>T, p.Ala553= (NM_001244812.3); c.1587C>T, p.Ala529= (NM_001244813.3, NM_001244815.2, NM_001349342.3); c.1887C>T, p.Ala629= (NM_001244814.3, NM_001244816.2, NM_001349340.3 and 1 more transcripts); c.1584C>T, p.Ala528= (NM_001349337.2, NM_001349343.3, NM_001349344.3 and 1 more transcripts).
Identifiers: ClinVar variation 3029387 (VCV003029387.4), dbSNP rs766116383, ClinGen allele CA2490803.

ClinVar aggregate classification (germline): Likely benign. Review status: criteria provided, single submitter (1 of 4 stars). 2 submissions from 2 submitters: Likely benign (1). 1 of the submissions does not count toward it. Last evaluated 2025-04-23.

Conditions:
FOXP1-related disorder. Also called: FOXP1-related condition.

Allele frequency attached by ClinVar (database versions not stated): TOPMed below 0.00001; ExAC 0.00001; gnomAD 0.00001; gnomAD exomes 0.00004.
gnomAD v4.1: 54 of 1,613,798 alleles (0.0033%); highest among the groups gnomAD compares: East Asian, 0.091%; no homozygotes.

Submissions (4):

Labcorp Genetics (formerly Invitae), Labcorp
Classification: Likely benign. Last evaluated: 2025-04-23. Review status: criteria provided, single submitter. Criteria: Invitae Variant Classification Sherloc (09022015). Collection method: clinical testing. Allele origin: germline.

PreventionGenetics, part of Exact Sciences
Classification: Likely benign for FOXP1-related condition. Last evaluated: 2023-12-06. Review status: no assertion criteria provided. Collection method: clinical testing. Allele origin: germline. Not counted in ClinVar's aggregate classification.
Comment: This variant is classified as likely benign based on ACMG/AMP sequence variant interpretation guidelines (Richards et al. 2015 PMID: 25741868, with internal and published modifications).

Dr. Peter K. Rogan Lab, Western University
No classification provided (evidence only). Condition: Nonpapillary renal cell carcinoma. Review status: no classification provided. Collection method: in vitro. Allele origin: not applicable. Functional consequence: retained intron. Not counted in ClinVar's aggregate classification.

Dr. Peter K. Rogan Lab, Western University
No classification provided (evidence only). Condition: Nonpapillary renal cell carcinoma. Review status: no classification provided. Collection method: in vitro. Allele origin: not applicable. Functional consequence: retained intron. Not counted in ClinVar's aggregate classification.